The following is an entry in ClinVar:

NM_000179.3(MSH6):c.186_187inv (p.Ser63Ala)

Gene: MSH6 (mutS homolog 6; plus strand). Cytogenetic location: 2p16.3.
Variant type: Inversion.
Coding change: c.186_187inv on transcript NM_000179.3 (MANE Select).
Protein change: p.Ser63Ala; replaces serine 63 with alanine.
Molecular consequence: missense variant. On other transcripts: 5 prime UTR variant (1).
Genome position: GRCh38 VCF-style: chr2-47783419-CT-AG. GRCh37 (hg19) VCF-style: chr2-48010558-CT-AG.
Other names: c.186_187inv, p.Ser63Ala (NM_001281492.2); c.-551_-550inv (NM_001281493.2); c.186_187delCTinsAG (NM_000179.2); c.186_187delinsAG (NM_000179.3); short protein forms S63A.
Identifiers: ClinVar variation 926791 (VCV000926791.13), ClinGen allele CA1139655608.

ClinVar aggregate classification (germline): Uncertain significance. Review status: criteria provided, multiple submitters, no conflicts (2 of 4 stars). 5 submissions from 5 submitters: Uncertain significance (5). Last evaluated 2025-07-16.

Conditions:
Hereditary cancer-predisposing syndrome. Also called: Neoplastic Syndromes, Hereditary; Tumor predisposition; Hereditary Cancer Syndrome; Hereditary neoplastic syndrome. Identifiers: Orphanet 140162, MedGen C0027672, MeSH D009386, MONDO:0015356.
Mismatch repair cancer syndrome 3. Identifiers: MedGen C5436807, MONDO:0030841, OMIM 619097.
Lynch syndrome 5 (LYNCH5). Also called: Colorectal cancer, hereditary nonpolyposis, type 5; Hereditary non-polyposis colorectal cancer, type 5. Identifiers: Orphanet 144, MedGen C1833477, MONDO:0013710, OMIM 614350. Disease mechanism: loss of function.
Endometrial carcinoma. Also called: Endometrial carcinoma, somatic. Identifiers: MedGen C0476089, MONDO:0002447, OMIM 608089, HP:0012114.
Hereditary nonpolyposis colorectal neoplasms. Identifiers: MedGen C0009405, MeSH D003123.

Submissions (5):

Labcorp Genetics (formerly Invitae), Labcorp
Classification: Uncertain significance for Hereditary nonpolyposis colorectal neoplasms. Last evaluated: 2025-07-16. Review status: criteria provided, single submitter. Criteria: Invitae Variant Classification Sherloc (09022015). Collection method: clinical testing. Allele origin: germline.
Comment: This sequence change replaces serine, which is neutral and polar, with alanine, which is neutral and non-polar, at codon 63 of the MSH6 protein (p.Ser63Ala). Information on the frequency of this variant in the gnomAD database is not available, as this variant may be reported differently in the database. This variant has not been reported in the literature in individuals affected with MSH6-related conditions. ClinVar contains an entry for this variant (Variation ID: 926791). Experimental studies and prediction algorithms are not available or were not evaluated, and the functional significance of this variant is currently unknown. In summary, the available evidence is currently insufficient to determine the role of this variant in disease. Therefore, it has been classified as a Variant of Uncertain Significance.

Ambry Genetics
Classification: Uncertain significance for Hereditary cancer-predisposing syndrome. Last evaluated: 2024-06-13. Review status: criteria provided, single submitter. Criteria: Ambry Variant Classification Scheme 2023. Collection method: clinical testing. Allele origin: germline.
Comment: The c.186_187delCTinsAG variant (also known as p.S63A), located in coding exon 1 of the MSH6 gene, results from an in-frame deletion of CT and insertion of AG at nucleotide positions 186 to 187. This results in the substitution of the serine residue for an alanine residue at codon 63, an amino acid with similar properties. This amino acid position is not well conserved in available vertebrate species. In addition, this alteration is predicted to be neutral by in silico analysis (Choi Y et al. PLoS ONE. 2012; 7(10):e46688). Since supporting evidence is limited at this time, the clinical significance of this alteration remains unclear.

Color Diagnostics, LLC DBA Color Health
Classification: Uncertain significance for Hereditary cancer-predisposing syndrome. Last evaluated: 2024-03-07. Review status: criteria provided, single submitter. Criteria: ACMG Guidelines, 2015. Collection method: clinical testing. Allele origin: germline.
Comment: This variant causes an in-frame deletion and insertion of two nucleotides, resulting in a missense variant that replaces serine with alanine at codon 63 of the MSH6 protein. Computational prediction suggests that this variant may not impact protein structure and function (internally defined REVEL score threshold <= 0.5, PMID: 27666373). Splice site prediction tools suggest that this variant may not impact RNA splicing. To our knowledge, functional studies have not been performed for this variant. This variant has not been reported in individuals affected with hereditary cancer in the literature. This variant has not been identified in the general population by the Genome Aggregation Database (gnomAD). The available evidence is insufficient to determine the role of this variant in disease conclusively. Therefore, this variant is classified as a Variant of Uncertain Significance.

Department of Pathology and Laboratory Medicine, Sinai Health System
Classification: Uncertain significance for Endometrial carcinoma; Lynch syndrome 5; Mismatch repair cancer syndrome 3. Last evaluated: 2023-09-19. Review status: criteria provided, single submitter. Criteria: ACMG Guidelines, 2015. Collection method: clinical testing. Allele origin: germline. Affected: yes.

Women's Health and Genetics/Laboratory Corporation of America, LabCorp
Classification: Uncertain significance. Last evaluated: 2019-11-05. Review status: criteria provided, single submitter. Criteria: LabCorp Variant Classification Summary - May 2015. Collection method: clinical testing. Allele origin: germline.
Comment: Variant summary: MSH6 c.186_187delinsAG (p.Ser63Ala) results in a conservative amino acid change in the encoded protein sequence. Four of five in-silico tools predict a benign effect of the variant on protein function. The variant was absent in 145552 control chromosomes (gnomAD). The available data on variant occurrences in the general population are insufficient to allow any conclusion about variant significance. To our knowledge, no occurrence of c.186_187delinsAG in individuals affected with Lynch Syndrome and no experimental evidence demonstrating its impact on protein function have been reported. No clinical diagnostic laboratories have submitted clinical-significance assessments for this variant to ClinVar after 2014. Based on the evidence outlined above, the variant was classified as uncertain significance.